The following is an entry in ClinVar:

NM_014254.3(RXYLT1):c.1021A>G (p.Ile341Val)

Gene: RXYLT1 (ribitol xylosyltransferase 1; plus strand). Cytogenetic location: 12q14.2.
Variant type: single nucleotide variant.
Coding change: c.1021A>G on transcript NM_014254.3 (MANE Select); coding-DNA position 1021, A replaced by G.
Protein change: p.Ile341Val; replaces isoleucine 341 with valine.
Molecular consequence: missense variant.
Genome position (GRCh38, 1-based): chr12:63,808,781, A>G. VCF-style: chr12-63808781-A-G. GRCh37 (hg19) VCF-style: chr12-64202561-A-G.
Other names: c.241A>G, p.Ile81Val (NM_001278237.2); short protein forms I341V, I81V.
Identifiers: ClinVar variation 1062243 (VCV001062243.9), dbSNP rs946835149, ClinGen allele CA238830870.

ClinVar aggregate classification (germline): Uncertain significance (1 of 4 stars; one submission).

Allele frequency attached by ClinVar (database versions not stated): gnomAD exomes below 0.00001; gnomAD 0.00001; TOPMed 0.00001.
gnomAD v4.1: 3 of 1,613,262 alleles (0.00019%); highest among the groups gnomAD compares: Non-Finnish European, 0.00025%; no homozygotes.

Submission:

Labcorp Genetics (formerly Invitae), Labcorp
Classification: Uncertain significance. Last evaluated: 2022-03-18. Review status: criteria provided, single submitter. Criteria: Invitae Variant Classification Sherloc (09022015). Collection method: clinical testing. Allele origin: germline.
Comment: This sequence change replaces isoleucine, which is neutral and non-polar, with valine, which is neutral and non-polar, at codon 341 of the RXYLT1 protein (p.Ile341Val). This variant is not present in population databases (gnomAD no frequency). This variant has not been reported in the literature in individuals affected with RXYLT1-related conditions. ClinVar contains an entry for this variant (Variation ID: 1062243). Algorithms developed to predict the effect of missense changes on protein structure and function (SIFT, PolyPhen-2, Align-GVGD) all suggest that this variant is likely to be tolerated. In summary, the available evidence is currently insufficient to determine the role of this variant in disease. Therefore, it has been classified as a Variant of Uncertain Significance.